The following is an entry in ClinVar:

ClinVar aggregate classification (germline): Uncertain significance (1 of 4 stars; one submission).

Allele frequency attached by ClinVar (database versions not stated): gnomAD exomes 0.00001; ExAC 0.00002.
gnomAD v4.1: 22 of 1,613,410 alleles (0.0014%); highest among the groups gnomAD compares: South Asian, 0.011%; no homozygotes.

Submission:

Labcorp Genetics (formerly Invitae), Labcorp
Classification: Uncertain significance. Last evaluated: 2021-11-23. Review status: criteria provided, single submitter. Criteria: Invitae Variant Classification Sherloc (09022015). Collection method: clinical testing. Allele origin: germline.
Comment: In summary, the available evidence is currently insufficient to determine the role of this variant in disease. Therefore, it has been classified as a Variant of Uncertain Significance. Algorithms developed to predict the effect of missense changes on protein structure and function output the following: SIFT: "Deleterious"; PolyPhen-2: "Possibly Damaging"; Align-GVGD: "Class C15". The methionine amino acid residue is found in multiple mammalian species, which suggests that this missense change does not adversely affect protein function. This variant has not been reported in the literature in individuals affected with ITGAM-related conditions. This variant is present in population databases (rs757551647, gnomAD 0.006%). This sequence change replaces valine, which is neutral and non-polar, with methionine, which is neutral and non-polar, at codon 493 of the ITGAM protein (p.Val493Met).

NM_000632.4(ITGAM):c.1477G>A (p.Val493Met)

Gene: ITGAM (integrin subunit alpha M; plus strand). Cytogenetic location: 16p11.2.
Variant type: single nucleotide variant.
Coding change: c.1477G>A on transcript NM_000632.4 (MANE Select); coding-DNA position 1477, G replaced by A.
Protein change: p.Val493Met; replaces valine 493 with methionine.
Molecular consequence: missense variant.
Genome position (GRCh38, 1-based): chr16:31,297,634, G>A. VCF-style: chr16-31297634-G-A. GRCh37 (hg19) VCF-style: chr16-31308955-G-A.
Other names: c.1477G>A, p.Val493Met (NM_001145808.2); short protein forms V493M.
Identifiers: ClinVar variation 1520902 (VCV001520902.6), dbSNP rs757551647, ClinGen allele CA8025561.